The following is an entry in ClinVar:

ClinVar aggregate classification (germline): Pathogenic (1 of 4 stars; one submission).

Submission:

Labcorp Genetics (formerly Invitae), Labcorp
Classification: Pathogenic. Last evaluated: 2022-06-27. Review status: criteria provided, single submitter. Criteria: Invitae Variant Classification Sherloc (09022015). Collection method: clinical testing. Allele origin: germline.
Comment: This sequence change creates a premature translational stop signal (p.Tyr360*) in the MMP13 gene. It is expected to result in an absent or disrupted protein product. Loss-of-function variants in MMP13 are known to be pathogenic (PMID: 24781753, 31413057). This variant is not present in population databases (gnomAD no frequency). This variant has not been reported in the literature in individuals affected with MMP13-related conditions. Algorithms developed to predict the effect of sequence changes on RNA splicing suggest that this variant may disrupt the consensus splice site. For these reasons, this variant has been classified as Pathogenic.

Literature cited by the submitters: PubMed 24781753; PubMed 31413057.

NM_002427.4(MMP13):c.1080T>G (p.Tyr360Ter)

Gene: MMP13 (matrix metallopeptidase 13; minus strand). Cytogenetic location: 11q22.2.
Variant type: single nucleotide variant.
Coding change: c.1080T>G on transcript NM_002427.4 (MANE Select); coding-DNA position 1080, T replaced by G.
Protein change: p.Tyr360Ter; replaces tyrosine 360 with a stop codon.
Molecular consequence: nonsense.
Genome position (GRCh38, 1-based): chr11:102,948,022, A>C on the plus strand (T>G on the coding strand, the complement: MMP13 is on the minus strand). VCF-style: chr11-102948022-A-C. GRCh37 (hg19) VCF-style: chr11-102818751-A-C.
Other names: short protein forms Y360*.
Identifiers: ClinVar variation 2066110 (VCV002066110.1), dbSNP rs61737008, ClinGen allele CA382227544.